The following is an entry in ClinVar:

ClinVar aggregate classification (germline): Benign/Likely benign. Review status: criteria provided, multiple submitters, no conflicts (2 of 4 stars). 2 submissions from 2 submitters: Benign (1); Likely benign (1). Last evaluated 2026-03-05.

Conditions:
Hereditary cancer-predisposing syndrome. Also called: Neoplastic Syndromes, Hereditary; Hereditary neoplastic syndrome; Hereditary Cancer Syndrome; Tumor predisposition. Identifiers: Orphanet 140162, MedGen C0027672, MeSH D009386, MONDO:0015356.
PTCH1-related disorder. Also called: PTCH1-related disorders; PTCH1-related condition.

Allele frequency attached by ClinVar (database versions not stated): gnomAD 0.00005 and 0.00006; ExAC 0.00007; gnomAD exomes 0.00007 and 0.00008.
gnomAD v4.1: 38 of 518,612 alleles (0.0073%); highest among the groups gnomAD compares: Non-Finnish European, 0.0069%; no homozygotes.

Submissions (2):

PreventionGenetics, part of Exact Sciences
Classification: Likely benign for PTCH1-related condition. Last evaluated: 2026-03-05. Review status: criteria provided, single submitter. Criteria: ACMG Guidelines, 2015. Collection method: clinical testing. Allele origin: germline.
Comment: This variant is classified as likely benign based on ACMG/AMP sequence variant interpretation guidelines (Richards et al. 2015 PMID: 25741868, with internal and published modifications).

Sema4
Classification: Benign for Hereditary cancer-predisposing syndrome. Last evaluated: 2021-12-22. Review status: criteria provided, single submitter. Criteria: Sema4 Curation Guidelines. Collection method: curation. Allele origin: germline.

NM_000264.5(PTCH1):c.*2-5T>A

Gene: PTCH1 (patched 1; minus strand). Cytogenetic location: 9q22.32.
Variant type: single nucleotide variant.
Coding change: c.*2-5T>A on transcript NM_000264.5 (MANE Select); 5 bases into the intron before 2 bases downstream of the stop codon, T replaced by A.
Molecular consequence: intron variant.
Genome position (GRCh38, 1-based): chr9:95,446,396, A>T on the plus strand (T>A on the coding strand, the complement: PTCH1 is on the minus strand). VCF-style: chr9-95446396-A-T. GRCh37 (hg19) VCF-style: chr9-98208678-A-T.
Other names: c.*2-5T>A (NM_001083603.3, NM_001083602.3, NM_001354918.2 and 4 more transcripts).
Identifiers: ClinVar variation 1692303 (VCV001692303.2), dbSNP rs780500071, ClinGen allele CA5137873.